The following is an entry in ClinVar:

ClinVar aggregate classification (germline): Uncertain significance (1 of 4 stars; one submission).

Conditions:
Encephalopathy, acute, infection-induced (herpes-specific), susceptibility to, 6. Also called: Herpes simplex encephalitis, susceptibility to, 4. Identifiers: Orphanet 1930, MedGen C3553869, MONDO:0013921, OMIM 614850.

Submission:

Labcorp Genetics (formerly Invitae), Labcorp
Classification: Uncertain significance for Encephalopathy, acute, infection-induced (herpes-specific), susceptibility to, 6. Last evaluated: 2022-05-25. Review status: criteria provided, single submitter. Criteria: Invitae Variant Classification Sherloc (09022015). Collection method: clinical testing. Allele origin: germline.
Comment: This variant has not been reported in the literature in individuals affected with TICAM1-related conditions. This variant is not present in population databases (gnomAD no frequency). This sequence change replaces serine, which is neutral and polar, with cysteine, which is neutral and slightly polar, at codon 359 of the TICAM1 protein (p.Ser359Cys). Algorithms developed to predict the effect of missense changes on protein structure and function are either unavailable or do not agree on the potential impact of this missense change (SIFT: "Deleterious"; PolyPhen-2: "Probably Damaging"; Align-GVGD: "Class C0"). In summary, the available evidence is currently insufficient to determine the role of this variant in disease. Therefore, it has been classified as a Variant of Uncertain Significance.

NM_182919.4(TICAM1):c.1076C>G (p.Ser359Cys)

Gene: TICAM1 (TIR domain containing adaptor molecule 1; minus strand). Cytogenetic location: 19p13.3.
Variant type: single nucleotide variant.
Coding change: c.1076C>G on transcript NM_182919.4 (MANE Select); coding-DNA position 1076, C replaced by G.
Protein change: p.Ser359Cys; replaces serine 359 with cysteine.
Molecular consequence: missense variant.
Genome position (GRCh38, 1-based): chr19:4,817,302, G>C on the plus strand (C>G on the coding strand, the complement: TICAM1 is on the minus strand). VCF-style: chr19-4817302-G-C. GRCh37 (hg19) VCF-style: chr19-4817314-G-C.
Other names: c.1034C>G, p.Ser345Cys (NM_001385678.1); c.941C>G, p.Ser314Cys (NM_001385679.1); c.434C>G, p.Ser145Cys (NM_001385680.1); short protein forms S145C, S345C, S314C, S359C.
Identifiers: ClinVar variation 1998977 (VCV001998977.4), dbSNP rs2512398787, ClinGen allele CA403491024.
Genomic context (GRCh38, chr19:4,817,302, plus strand): 5'-GAGGGGGTCAGGTGAGCTGAACAAGGAGTAGATGAAGGAGGAGGAGGAGGAGGAGGAGGG[G>C]ATGTTTCTGGGGTGGTGGGAGTAGGTGGGCACGGCTTGGTATTTGGAGAGGTGGTATCTT-3'
Protein context (NP_891549.1, residues 349-369): CPPTPTTPET[Ser359Cys]PPPPPPPPSS